The following is an entry in ClinVar:

ClinVar aggregate classification (germline): Uncertain significance (1 of 4 stars; one submission).

Submission:

Labcorp Genetics (formerly Invitae), Labcorp
Classification: Uncertain significance. Last evaluated: 2023-06-18. Review status: criteria provided, single submitter. Criteria: Invitae Variant Classification Sherloc (09022015). Collection method: clinical testing. Allele origin: germline.
Comment: Algorithms developed to predict the effect of sequence changes on RNA splicing suggest that this variant may create or strengthen a splice site. In summary, the available evidence is currently insufficient to determine the role of this variant in disease. Therefore, it has been classified as a Variant of Uncertain Significance. This variant has not been reported in the literature in individuals affected with STAG2-related conditions. This sequence change falls in intron 7 of the STAG2 gene. It does not directly change the encoded amino acid sequence of the STAG2 protein. This variant is not present in population databases (gnomAD no frequency).

NM_001042750.2(STAG2):c.463-5T>C

Gene: STAG2 (STAG2 cohesin complex component; plus strand). Cytogenetic location: Xq25.
Variant type: single nucleotide variant.
Coding change: c.463-5T>C on transcript NM_001042750.2 (MANE Select); 5 bases into the intron before coding-DNA position 463, T replaced by C.
Molecular consequence: intron variant.
Genome position (GRCh38, 1-based): chrX:124,045,159, T>C. VCF-style: chrX-124045159-T-C. GRCh37 (hg19) VCF-style: chrX-123179009-T-C.
Other names: c.463-5T>C (NM_001042749.2, NM_001375366.1, NM_001375373.1 and 13 more transcripts).
Identifiers: ClinVar variation 2718842 (VCV002718842.3), dbSNP rs2521233281, ClinGen allele CA2694624115.
Genomic context (GRCh38, chrX:124,045,159, plus strand): 5'-AAAAGCAAGTGATATGTTAAGTCATGCATTCTAAATGAAATTGCTGTTTTAAATTTTTGT[T>C]TTAGGATAGTGGAGATTATCCACTTACCATGGCTGGTCCTCAGTGGAAGAAGTTCAAATC-3'